The following is an entry in ClinVar:

NM_001366521.1(ATP2B1):c.2682G>A (p.Met894Ile)

Gene: ATP2B1 (ATPase plasma membrane Ca2+ transporting 1; minus strand). Cytogenetic location: 12q21.33.
Variant type: single nucleotide variant.
Coding change: c.2682G>A on transcript NM_001366521.1 (MANE Select); coding-DNA position 2682, G replaced by A.
Protein change: p.Met894Ile; replaces methionine 894 with isoleucine.
Molecular consequence: missense variant.
Genome position (GRCh38, 1-based): chr12:89,603,878, C>T on the plus strand (G>A on the coding strand, the complement: ATP2B1 is on the minus strand). VCF-style: chr12-89603878-C-T. GRCh37 (hg19) VCF-style: chr12-89997655-C-T.
Other names: c.2682G>A, p.Met894Ile (NM_001001323.2, NM_001366520.1, NM_001366522.1 and 12 more transcripts); c.2484G>A, p.Met828Ile (NM_001366530.1, NM_001413053.1); c.2121G>A, p.Met707Ile (NM_001366531.1, NM_001366532.1, NM_001413058.1 and 2 more transcripts); c.2643G>A, p.Met881Ile (NM_001413048.1); c.2541G>A, p.Met847Ile (NM_001413051.1, NM_001413052.1, NM_001413055.1); c.2439G>A, p.Met813Ile (NM_001413054.1); c.2427G>A, p.Met809Ile (NM_001413056.1); c.2229G>A, p.Met743Ile (NM_001413057.1); short protein forms M707I, M743I, M809I, M813I, M828I, M847I, M881I, M894I.
Identifiers: ClinVar variation 3342278 (VCV003342278.1).

ClinVar aggregate classification (germline): Uncertain significance (1 of 4 stars; one submission).

Conditions:
Intellectual developmental disorder, autosomal dominant 66. Also called: MENTAL RETARDATION, AUTOSOMAL DOMINANT 66. Identifiers: MedGen C5677000, MONDO:0030891, OMIM 619910.

Submission:

MVZ Medizinische Genetik Mainz
Classification: Uncertain significance for Intellectual developmental disorder, autosomal dominant 66. Last evaluated: 2024-08-15. Review status: criteria provided, single submitter. Criteria: UK Practice Guidelines For Variant Classification V4 01 2020. Collection method: clinical testing. Allele origin: germline. Inheritance: Autosomal dominant inheritance. Affected: yes. Observed: 1 variant allele.
Comment: ACMG Criteria: PP3_MOD,PM2_SUP,PP2